The following is an entry in ClinVar:

ClinVar aggregate classification (germline): Uncertain significance. Review status: criteria provided, multiple submitters, no conflicts (2 of 4 stars). 2 submissions from 2 submitters: Uncertain significance (2). Last evaluated 2025-08-29.

Conditions:
Inborn genetic diseases. Identifiers: MedGen C0950123, MeSH D030342.
ABCB11-related disorder. Also called: ABCB11-related condition.

Allele frequency attached by ClinVar (database versions not stated): TOPMed below 0.00001; ExAC 0.00001; gnomAD 0.00001; gnomAD exomes 0.00001.
gnomAD v4.1: 20 of 1,612,778 alleles (0.0012%); highest among the groups gnomAD compares: Non-Finnish European, 0.0016%; no homozygotes.

Submissions (2):

Ambry Genetics
Classification: Uncertain significance for Inborn genetic diseases. Last evaluated: 2025-08-29. Review status: criteria provided, single submitter. Criteria: Ambry Variant Classification Scheme 2023. Collection method: clinical testing. Allele origin: germline.

PreventionGenetics, part of Exact Sciences
Classification: Uncertain significance for ABCB11-related condition. Last evaluated: 2023-07-06. Review status: criteria provided, single submitter. Criteria: ACMG Guidelines, 2015. Collection method: clinical testing. Allele origin: germline.
Comment: The ABCB11 c.3133A>G variant is predicted to result in the amino acid substitution p.Lys1045Glu. To our knowledge, this variant has not been reported in the literature. This variant is reported in 0.0018% of alleles in individuals of European (Non-Finnish) descent in gnomAD. At this time, the clinical significance of this variant is uncertain due to the absence of conclusive functional and genetic evidence.

NM_003742.4(ABCB11):c.3133A>G (p.Lys1045Glu)

Gene: ABCB11 (ATP binding cassette subfamily B member 11; minus strand). Cytogenetic location: 2q31.1.
Variant type: single nucleotide variant.
Coding change: c.3133A>G on transcript NM_003742.4 (MANE Select); coding-DNA position 3133, A replaced by G.
Protein change: p.Lys1045Glu; replaces lysine 1045 with glutamic acid.
Molecular consequence: missense variant.
Genome position (GRCh38, 1-based): chr2:168,932,457, T>C on the plus strand (A>G on the coding strand, the complement: ABCB11 is on the minus strand). VCF-style: chr2-168932457-T-C. GRCh37 (hg19) VCF-style: chr2-169788967-T-C.
Other names: short protein forms K1045E.
Identifiers: ClinVar variation 2636691 (VCV002636691.2), dbSNP rs762147253, ClinGen allele CA1951096.